The following is an entry in ClinVar:

NM_006030.4(CACNA2D2):c.2562C>A (p.Asn854Lys)

Genes: CACNA2D2 (calcium voltage-gated channel auxiliary subunit alpha2delta 2; minus strand), LOC101928965 (uncharacterized LOC101928965; plus strand), LOC127898564 (CYB561D2-LOC101928965; plus strand). Cytogenetic location: 3p21.31.
Variant type: single nucleotide variant.
Coding change: c.2562C>A on transcript NM_006030.4 (MANE Select); coding-DNA position 2562, C replaced by A.
Protein change: p.Asn854Lys; replaces asparagine 854 with lysine.
Molecular consequence: missense variant.
Genome position (GRCh38, 1-based): chr3:50,366,858, G>T on the plus strand (C>A on the coding strand, the complement: CACNA2D2 is on the minus strand). VCF-style: chr3-50366858-G-T. GRCh37 (hg19) VCF-style: chr3-50404289-G-T.
Other names: c.2562C>A, p.Asn854Lys (NM_001005505.3); c.2583C>A, p.Asn861Lys (NM_001174051.3); c.2355C>A, p.Asn785Lys (NM_001291101.1); short protein forms N861K, N854K, N785K.
Identifiers: ClinVar variation 1035112 (VCV001035112.2), dbSNP rs1704329016, ClinGen allele CA352910537.
Genomic context (GRCh38, chr3:50,366,858, plus strand): 5'-GCTGGGTTACTGCCCCCGCCCCTGCCCAAATACCTTCTGAGGCTGGTCTTGGTGGGTACG[G>T]TTGCTGGCTAGCACCTTGAACTTCTCAGCCCAAGCCTCTAGGTCCAGCTTGACGCCCACC-3'
Protein context (NP_006021.2, residues 844-864): WAEKFKVLAS[Asn854Lys]RTHQDQPQKC

ClinVar aggregate classification (germline): Uncertain significance (1 of 4 stars; one submission).

Conditions:
Developmental and epileptic encephalopathy. Identifiers: MedGen C5779964, MONDO:0100620.

Submission:

Labcorp Genetics (formerly Invitae), Labcorp
Classification: Uncertain significance for Early-infantile DEE. Last evaluated: 2020-08-14. Review status: criteria provided, single submitter. Criteria: Invitae Variant Classification Sherloc (09022015). Collection method: clinical testing. Allele origin: germline.
Comment: This sequence change replaces asparagine with lysine at codon 854 of the CACNA2D2 protein (p.Asn854Lys). The asparagine residue is highly conserved and there is a moderate physicochemical difference between asparagine and lysine. This variant is not present in population databases (ExAC no frequency). This variant has not been reported in the literature in individuals with CACNA2D2-related conditions. Algorithms developed to predict the effect of missense changes on protein structure and function (SIFT, PolyPhen-2, Align-GVGD) all suggest that this variant is likely to be disruptive, but these predictions have not been confirmed by published functional studies and their clinical significance is uncertain. In summary, the available evidence is currently insufficient to determine the role of this variant in disease. Therefore, it has been classified as a Variant of Uncertain Significance.